The following is an entry in ClinVar:

ClinVar aggregate classification (germline): Uncertain significance (1 of 4 stars; one submission).

Submission:

GeneDx
Classification: Uncertain significance. Last evaluated: 2022-05-16. Review status: criteria provided, single submitter. Criteria: GeneDx Variant Classification Process June 2021. Collection method: clinical testing. Allele origin: germline. Affected: yes.
Comment: Not observed at significant frequency in large population cohorts (gnomAD); In silico analysis supports that this missense variant has a deleterious effect on protein structure/function; Has not been previously published as pathogenic or benign to our knowledge

NM_032119.4(ADGRV1):c.16097G>C (p.Gly5366Ala)

Gene: ADGRV1 (adhesion G protein-coupled receptor V1; plus strand). Cytogenetic location: 5q14.3.
Variant type: single nucleotide variant.
Coding change: c.16097G>C on transcript NM_032119.4 (MANE Select); coding-DNA position 16097, G replaced by C.
Protein change: p.Gly5366Ala; replaces glycine 5366 with alanine.
Molecular consequence: missense variant. On other transcripts: non-coding transcript variant (1).
Genome position (GRCh38, 1-based): chr5:90,815,637, G>C. VCF-style: chr5-90815637-G-C. GRCh37 (hg19) VCF-style: chr5-90111454-G-C.
Other names: short protein forms G5366A.
Identifiers: ClinVar variation 1800642 (VCV001800642.1), dbSNP rs1762821379, ClinGen allele CA360412315.